The following is an entry in ClinVar:

ClinVar aggregate classification (germline): Uncertain significance. Review status: criteria provided, multiple submitters, no conflicts (2 of 4 stars). 2 submissions from 2 submitters: Uncertain significance (2). Last evaluated 2025-07-13.

Conditions:
Hereditary cancer-predisposing syndrome. Also called: Neoplastic Syndromes, Hereditary; Tumor predisposition; Hereditary Cancer Syndrome; Hereditary neoplastic syndrome. Identifiers: Orphanet 140162, MedGen C0027672, MeSH D009386, MONDO:0015356.
Oligodontia-cancer predisposition syndrome. Also called: TOOTH AGENESIS-COLORECTAL CANCER SYNDROME. Identifiers: Orphanet 300576, MedGen C1837750, MONDO:0012075, OMIM 608615. Disease mechanism: loss of function.

Allele frequency attached by ClinVar (database versions not stated): gnomAD exomes below 0.00001.
gnomAD v4.1: 1 of 1,554,518 alleles (0.000064%); highest among the groups gnomAD compares: Non-Finnish European, 0.000087%; no homozygotes.

Submissions (2):

Labcorp Genetics (formerly Invitae), Labcorp
Classification: Uncertain significance for Oligodontia-cancer predisposition syndrome. Last evaluated: 2025-07-13. Review status: criteria provided, single submitter. Criteria: Invitae Variant Classification Sherloc (09022015). Collection method: clinical testing. Allele origin: germline.
Comment: This sequence change replaces glutamic acid, which is acidic and polar, with glycine, which is neutral and non-polar, at codon 402 of the AXIN2 protein (p.Glu402Gly). This variant is not present in population databases (gnomAD no frequency). This variant has not been reported in the literature in individuals affected with AXIN2-related conditions. ClinVar contains an entry for this variant (Variation ID: 464526). Invitae Evidence Modeling of protein sequence and biophysical properties (such as structural, functional, and spatial information, amino acid conservation, physicochemical variation, residue mobility, and thermodynamic stability) indicates that this missense variant is expected to disrupt AXIN2 protein function with a positive predictive value of 80%. In summary, the available evidence is currently insufficient to determine the role of this variant in disease. Therefore, it has been classified as a Variant of Uncertain Significance.

Ambry Genetics
Classification: Uncertain significance for Hereditary cancer-predisposing syndrome. Last evaluated: 2024-03-22. Review status: criteria provided, single submitter. Criteria: Ambry Variant Classification Scheme 2023. Collection method: clinical testing. Allele origin: germline.
Comment: The p.E402G variant (also known as c.1205A>G), located in coding exon 5 of the AXIN2 gene, results from an A to G substitution at nucleotide position 1205. The glutamic acid at codon 402 is replaced by glycine, an amino acid with similar properties. This amino acid position is conserved. In addition, this alteration is predicted to be tolerated by in silico analysis. Since supporting evidence is limited at this time, the clinical significance of this alteration remains unclear.

NM_004655.4(AXIN2):c.1205A>G (p.Glu402Gly)

Gene: AXIN2 (axin 2; minus strand). Cytogenetic location: 17q24.1.
Variant type: single nucleotide variant.
Coding change: c.1205A>G on transcript NM_004655.4 (MANE Select); coding-DNA position 1205, A replaced by G.
Protein change: p.Glu402Gly; replaces glutamic acid 402 with glycine.
Molecular consequence: missense variant.
Genome position (GRCh38, 1-based): chr17:65,537,831, T>C on the plus strand (A>G on the coding strand, the complement: AXIN2 is on the minus strand). VCF-style: chr17-65537831-T-C. GRCh37 (hg19) VCF-style: chr17-63533949-T-C.
Other names: c.1205A>G (LRG_296t1); c.1205A>G, p.Glu402Gly (NM_001363813.1); short protein forms E402G.
Identifiers: ClinVar variation 464526 (VCV000464526.12), dbSNP rs1555578158, ClinGen allele CA400677969.